The following is an entry in ClinVar:

ClinVar aggregate classification (germline): Uncertain significance (1 of 4 stars; one submission).

Conditions:
Kabuki syndrome. Also called: NIIKAWA-KUROKI SYNDROME; Kabuki make-up syndrome. Identifiers: Orphanet 2322, MedGen C0796004, MONDO:0016512.

Allele frequency attached by ClinVar (database versions not stated): gnomAD exomes 0.00001.
gnomAD v4.1: 4 of 1,614,000 alleles (0.00025%); highest among the groups gnomAD compares: South Asian, 0.0044%; no homozygotes.

Submission:

Labcorp Genetics (formerly Invitae), Labcorp
Classification: Uncertain significance for Kabuki syndrome. Last evaluated: 2023-01-11. Review status: criteria provided, single submitter. Criteria: Invitae Variant Classification Sherloc (09022015). Collection method: clinical testing. Allele origin: germline.
Comment: In summary, the available evidence is currently insufficient to determine the role of this variant in disease. Therefore, it has been classified as a Variant of Uncertain Significance. Algorithms developed to predict the effect of missense changes on protein structure and function are either unavailable or do not agree on the potential impact of this missense change (SIFT: "Tolerated"; PolyPhen-2: "Possibly Damaging"; Align-GVGD: "Class C0"). This missense change has been observed in at least one individual who was not affected with KMT2D-related conditions (Invitae). This variant has not been reported in the literature in individuals affected with KMT2D-related conditions. This variant is not present in population databases (gnomAD no frequency). This sequence change replaces proline, which is neutral and non-polar, with serine, which is neutral and polar, at codon 1566 of the KMT2D protein (p.Pro1566Ser).

NM_003482.4(KMT2D):c.4696C>T (p.Pro1566Ser)

Gene: KMT2D (lysine methyltransferase 2D; minus strand). Cytogenetic location: 12q13.12.
Variant type: single nucleotide variant.
Coding change: c.4696C>T on transcript NM_003482.4 (MANE Select); coding-DNA position 4696, C replaced by T.
Protein change: p.Pro1566Ser; replaces proline 1566 with serine.
Molecular consequence: missense variant.
Genome position (GRCh38, 1-based): chr12:49,045,965, G>A on the plus strand (C>T on the coding strand, the complement: KMT2D is on the minus strand). VCF-style: chr12-49045965-G-A. GRCh37 (hg19) VCF-style: chr12-49439748-G-A.
Other names: short protein forms P1566S.
Identifiers: ClinVar variation 2796710 (VCV002796710.3), dbSNP rs1014564665, ClinGen allele CA236614664.